The following is an entry in ClinVar:

ClinVar aggregate classification (germline): Pathogenic (1 of 4 stars; one submission).

Conditions:
Primary open angle glaucoma (POAG). Also called: OPTN-related open angle glaucoma. Identifiers: MedGen C0339573, MONDO:0100553, OMIM 137760.
Amyotrophic lateral sclerosis type 12 (ALS12). Also called: AMYOTROPHIC LATERAL SCLEROSIS 12 WITH OR WITHOUT FRONTOTEMPORAL DEMENTIA. Identifiers: Orphanet 803, MedGen C3150692, MONDO:0013264, OMIM 613435.
Glaucoma 1, open angle, E. Identifiers: MedGen C1842026, MONDO:0007665.

Allele frequency attached by ClinVar (database versions not stated): gnomAD 0.00001.
gnomAD v4.1: 1 of 1,614,046 alleles (0.000062%); highest among the groups gnomAD compares: African/African-American, 0.0013%; no homozygotes.

Submission:

Labcorp Genetics (formerly Invitae), Labcorp
Classification: Pathogenic for Primary open angle glaucoma; Glaucoma 1, open angle, E; Amyotrophic lateral sclerosis type 12. Last evaluated: 2023-06-15. Review status: criteria provided, single submitter. Criteria: Invitae Variant Classification Sherloc (09022015). Collection method: clinical testing. Allele origin: germline.
Comment: For these reasons, this variant has been classified as Pathogenic. This variant has not been reported in the literature in individuals affected with OPTN-related conditions. This variant is present in population databases (no rsID available, gnomAD 0.01%). This sequence change creates a premature translational stop signal (p.Glu81*) in the OPTN gene. It is expected to result in an absent or disrupted protein product. Loss-of-function variants in OPTN are known to be pathogenic (PMID: 20428114).

Literature cited by the submitters: PubMed 20428114.

NM_001008212.2(OPTN):c.241G>T (p.Glu81Ter)

Genes: OPTN (optineurin; plus strand), LOC108903148 (10p13 OPTN distal Alu-mediated recombination region; plus strand). Cytogenetic location: 10p13.
Variant type: single nucleotide variant.
Coding change: c.241G>T on transcript NM_001008212.2 (MANE Select); coding-DNA position 241, G replaced by T.
Protein change: p.Glu81Ter; replaces glutamic acid 81 with a stop codon.
Molecular consequence: nonsense.
Genome position (GRCh38, 1-based): chr10:13,110,348, G>T. VCF-style: chr10-13110348-G-T. GRCh37 (hg19) VCF-style: chr10-13152348-G-T.
Other names: c.241G>T, p.Glu81Ter (NM_001008211.1, NM_001008213.1, NM_021980.4); short protein forms E81*.
Identifiers: ClinVar variation 2929988 (VCV002929988.3), dbSNP rs1359892832, ClinGen allele CA376027467.